The following is an entry in ClinVar:

NM_005732.4(RAD50):c.1712C>G (p.Pro571Arg)

Gene: RAD50 (RAD50 double strand break repair protein; plus strand). Cytogenetic location: 5q31.1.
Variant type: single nucleotide variant.
Coding change: c.1712C>G on transcript NM_005732.4 (MANE Select); coding-DNA position 1712, C replaced by G.
Protein change: p.Pro571Arg; replaces proline 571 with arginine.
Molecular consequence: missense variant.
Genome position (GRCh38, 1-based): chr5:132,591,953, C>G. VCF-style: chr5-132591953-C-G. GRCh37 (hg19) VCF-style: chr5-131927645-C-G.
Other names: short protein forms P571R.
Identifiers: ClinVar variation 566214 (VCV000566214.13), dbSNP rs1561641075, ClinGen allele CA360946486.

ClinVar aggregate classification (germline): Uncertain significance. Review status: criteria provided, multiple submitters, no conflicts (2 of 4 stars). 2 submissions from 2 submitters: Uncertain significance (2). Last evaluated 2022-08-10.

Conditions:
Hereditary cancer-predisposing syndrome. Also called: Neoplastic Syndromes, Hereditary; Tumor predisposition; Hereditary neoplastic syndrome; Hereditary Cancer Syndrome. Identifiers: Orphanet 140162, MedGen C0027672, MeSH D009386, MONDO:0015356.

Submissions (2):

Labcorp Genetics (formerly Invitae), Labcorp
Classification: Uncertain significance for Hereditary cancer-predisposing syndrome. Last evaluated: 2022-08-10. Review status: criteria provided, single submitter. Criteria: Invitae Variant Classification Sherloc (09022015). Collection method: clinical testing. Allele origin: germline.
Comment: In summary, the available evidence is currently insufficient to determine the role of this variant in disease. Therefore, it has been classified as a Variant of Uncertain Significance. Algorithms developed to predict the effect of missense changes on protein structure and function are either unavailable or do not agree on the potential impact of this missense change (SIFT: "Tolerated"; PolyPhen-2: "Possibly Damaging"; Align-GVGD: "Class C0"). ClinVar contains an entry for this variant (Variation ID: 566214). This variant has not been reported in the literature in individuals affected with RAD50-related conditions. This variant is not present in population databases (gnomAD no frequency). This sequence change replaces proline, which is neutral and non-polar, with arginine, which is basic and polar, at codon 571 of the RAD50 protein (p.Pro571Arg).

Ambry Genetics
Classification: Uncertain significance for Hereditary cancer-predisposing syndrome. Last evaluated: 2020-03-04. Review status: criteria provided, single submitter. Criteria: Ambry Variant Classification Scheme 2023. Collection method: clinical testing. Allele origin: germline.
Comment: The p.P571R variant (also known as c.1712C>G), located in coding exon 11 of the RAD50 gene, results from a C to G substitution at nucleotide position 1712. The proline at codon 571 is replaced by arginine, an amino acid with dissimilar properties. This amino acid position is highly conserved in available vertebrate species. In addition, the in silico prediction for this alteration is inconclusive. Since supporting evidence is limited at this time, the clinical significance of this alteration remains unclear.